The following is an entry in ClinVar:

NC_000017.10:g.(?_17131193)_(17140502_?)dup

Gene: FLCN (folliculin; minus strand). Cytogenetic location: 17p11.2.
Variant type: Duplication.
Identifiers: ClinVar variation 1412759 (VCV001412759.6).

ClinVar aggregate classification (germline): Uncertain significance (1 of 4 stars; one submission).

Conditions:
Birt-Hogg-Dube syndrome. Also called: Birt Hogg Dubé syndrome. Identifiers: Orphanet 122, MedGen C0346010, MONDO:0800444.

Submission:

Labcorp Genetics (formerly Invitae), Labcorp
Classification: Uncertain significance for Birt-Hogg-Dube syndrome. Last evaluated: 2021-09-19. Review status: criteria provided, single submitter. Criteria: Invitae Variant Classification Sherloc (09022015). Collection method: clinical testing. Allele origin: germline.
Comment: In summary, the available evidence is currently insufficient to determine the role of this variant in disease. Therefore, it has been classified as a Variant of Uncertain Significance. Experimental studies and prediction algorithms are not available or were not evaluated, and the functional significance of this variant is currently unknown. This variant has not been reported in the literature in individuals affected with FLCN-related conditions. This variant results in a copy number gain of the genomic region encompassing exon(s) 1-4 of the FLCN gene. This region includes the initiator codon of the gene. This copy number gain extends beyond the assayed region for this gene and therefore may encompass additional genes. As the precise location of this event is unknown, it may be in tandem or it may be located elsewhere in the genome.